The following is an entry in ClinVar:

NM_024027.5(COLEC11):c.642C>T (p.Phe214=)

Gene: COLEC11 (collectin subfamily member 11; plus strand). Cytogenetic location: 2p25.3.
Variant type: single nucleotide variant.
Coding change: c.642C>T on transcript NM_024027.5 (MANE Select); coding-DNA position 642, C replaced by T.
Protein change: p.Phe214=; no amino-acid change (phenylalanine 214 retained).
Molecular consequence: synonymous variant. On other transcripts: non-coding transcript variant (1).
Genome position (GRCh38, 1-based): chr2:3,643,944, C>T. VCF-style: chr2-3643944-C-T. GRCh37 (hg19) VCF-style: chr2-3691534-C-T.
Other names: c.570C>T, p.Phe190= (NM_001255982.2, NM_001255983.2); c.498C>T, p.Phe166= (NM_001255984.2); c.684C>T, p.Phe228= (NM_001255985.1); c.564C>T, p.Phe188= (NM_001255986.1); c.492C>T, p.Phe164= (NM_001255987.1, NM_001255988.1); c.420C>T, p.Phe140= (NM_001255989.1); c.633C>T, p.Phe211= (NM_199235.3).
Identifiers: ClinVar variation 3040813 (VCV003040813.2), dbSNP rs200901540, ClinGen allele CA1517119.
Genomic context (GRCh38, chr2:3,643,944, plus strand): 5'-GCAAGCCGGCCTGGCCCGTGTCTTCATCGGCATCAACGACCTGGAGAAGGAGGGCGCCTT[C>T]GTGTACTCTGACCACTCCCCCATGCGGACCTTCAACAAGTGGCGCAGCGGTGAGCCCAAC-3'
Protein context (NP_076932.1, residues 204-224): GINDLEKEGA[Phe214=]VYSDHSPMRT

ClinVar aggregate classification (germline): Likely benign (0 of 4 stars; one submission).

Conditions:
COLEC11-related disorder. Also called: COLEC11-related condition.

Allele frequency attached by ClinVar (database versions not stated): ExAC 0.00003; gnomAD 0.00003; gnomAD exomes 0.00003; TOPMed 0.00006; 1000 Genomes Project 30x 0.00016; 1000 Genomes Project 0.00020.
gnomAD v4.1: 59 of 1,614,172 alleles (0.0037%); highest among the groups gnomAD compares: East Asian, 0.08%; no homozygotes.

Submission:

PreventionGenetics, part of Exact Sciences
Classification: Likely benign for COLEC11-related condition. Last evaluated: 2019-12-24. Review status: no assertion criteria provided. Collection method: clinical testing. Allele origin: germline.
Comment: This variant is classified as likely benign based on ACMG/AMP sequence variant interpretation guidelines (Richards et al. 2015 PMID: 25741868, with internal and published modifications).